The following is an entry in ClinVar:

ClinVar aggregate classification (germline): Uncertain significance (1 of 4 stars; one submission).

Submission:

GeneDx
Classification: Uncertain significance. Last evaluated: 2023-03-31. Review status: criteria provided, single submitter. Criteria: GeneDx Variant Classification Process June 2021. Collection method: clinical testing. Allele origin: germline. Affected: yes.
Comment: Not observed at significant frequency in large population cohorts (gnomAD); In silico analysis supports that this missense variant has a deleterious effect on protein structure/function; Has not been previously published as pathogenic or benign to our knowledge

NM_003024.3(ITSN1):c.3104A>G (p.Asp1035Gly)

Gene: ITSN1 (intersectin 1; plus strand). Cytogenetic location: 21q22.11.
Variant type: single nucleotide variant.
Coding change: c.3104A>G on transcript NM_003024.3 (MANE Select); coding-DNA position 3104, A replaced by G.
Protein change: p.Asp1035Gly; replaces aspartic acid 1035 with glycine.
Molecular consequence: missense variant. On other transcripts: intron variant (2).
Genome position (GRCh38, 1-based): chr21:33,823,574, A>G. VCF-style: chr21-33823574-A-G. GRCh37 (hg19) VCF-style: chr21-35195878-A-G.
Other names: c.3104A>G, p.Asp1035Gly (NM_001001132.2); c.3089A>G, p.Asp1030Gly (NM_001331009.2, NM_001331010.2); c.2978A>G, p.Asp993Gly (NM_001331012.2); c.3016+4251A>G (NM_001331008.2); c.3001+4251A>G (NM_001331011.2); short protein forms D1030G, D1035G, D993G.
Identifiers: ClinVar variation 2582204 (VCV002582204.1), dbSNP rs2518154259, ClinGen allele CA410121206.